The following is an entry in ClinVar:

ClinVar aggregate classification (germline): Uncertain significance. Review status: criteria provided, multiple submitters, no conflicts (2 of 4 stars). 2 submissions from 2 submitters: Uncertain significance (2). Last evaluated 2025-04-23.

Conditions:
Inborn genetic diseases. Identifiers: MedGen C0950123, MeSH D030342.
PCNT-related disorder. Also called: PCNT-related condition.

gnomAD v4.1: 16 of 1,577,892 alleles (0.001%); highest among the groups gnomAD compares: East Asian, 0.0046%; no homozygotes.

Submissions (2):

PreventionGenetics, part of Exact Sciences
Classification: Uncertain significance for PCNT-related condition. Last evaluated: 2025-04-23. Review status: criteria provided, single submitter. Criteria: ACMG Guidelines, 2015. Collection method: clinical testing. Allele origin: germline.
Comment: The PCNT c.5744C>T variant is predicted to result in the amino acid substitution p.Ala1915Val. To our knowledge, this variant has not been reported in the literature or in a large population database, indicating this variant is rare. At this time, the clinical significance of this variant is uncertain due to the absence of conclusive functional and genetic evidence.

Ambry Genetics
Classification: Uncertain significance for Inborn genetic diseases. Last evaluated: 2025-02-10. Review status: criteria provided, single submitter. Criteria: Ambry Variant Classification Scheme 2023. Collection method: clinical testing. Allele origin: germline.

NM_006031.6(PCNT):c.5744C>T (p.Ala1915Val)

Gene: PCNT (pericentrin; plus strand). Cytogenetic location: 21q22.3.
Variant type: single nucleotide variant.
Coding change: c.5744C>T on transcript NM_006031.6 (MANE Select); coding-DNA position 5744, C replaced by T.
Protein change: p.Ala1915Val; replaces alanine 1915 with valine.
Molecular consequence: missense variant.
Genome position (GRCh38, 1-based): chr21:46,411,817, C>T. VCF-style: chr21-46411817-C-T. GRCh37 (hg19) VCF-style: chr21-47831731-C-T.
Other names: c.5390C>T, p.Ala1797Val (NM_001315529.2); short protein forms A1797V, A1915V.
Identifiers: ClinVar variation 3886988 (VCV003886988.2).
Genomic context (GRCh38, chr21:46,411,817, plus strand): 5'-TGTTGGCCTTGGCCCGCATCCGCCGCGCCCTGGAGCAGCAGCCCCTGGCAGCCGGGGCGG[C>T]GCCTCCCGAGCTGCAGTGGCTCCGAGCGCAGTGTGCCCGCCTCAGCCGCCAGCTGCAGGT-3'
Protein context (NP_006022.3, residues 1905-1925): LEQQPLAAGA[Ala1915Val]PPELQWLRAQ